The following is an entry in ClinVar:

NM_172107.4(KCNQ2):c.2352C>T (p.Ser784=)

Gene: KCNQ2 (potassium voltage-gated channel subfamily Q member 2; minus strand). Cytogenetic location: 20q13.33.
Variant type: single nucleotide variant.
Coding change: c.2352C>T on transcript NM_172107.4 (MANE Select); coding-DNA position 2352, C replaced by T.
Protein change: p.Ser784=; no amino-acid change (serine 784 retained).
Molecular consequence: synonymous variant.
Genome position (GRCh38, 1-based): chr20:63,406,911, G>A on the plus strand (C>T on the coding strand, the complement: KCNQ2 is on the minus strand). VCF-style: chr20-63406911-G-A. GRCh37 (hg19) VCF-style: chr20-62038264-G-A.
Other names: c.2406C>T, p.Ser802= (NM_001382235.1); c.2268C>T, p.Ser756= (NM_004518.6); c.2298C>T, p.Ser766= (NM_172106.3); c.2259C>T, p.Ser753= (NM_172108.5).
Identifiers: ClinVar variation 1148839 (VCV001148839.24), dbSNP rs752646626, ClinGen allele CA9958091.
Genomic context (GRCh38, chr20:63,406,911, plus strand): 5'-GCCGCTGAAGGAACGCTCCAGCTCCTCGTGGTCCACGGACGGGATGGAGATGGACGTGTC[G>A]CTGTCCCGCAGGTTCCCCTCGGGGGGCCTGCAGCCCGGGGTGTCCTCCTGCCGCAGGAAC-3'
Protein context (NP_742105.1, residues 774-794): CRPPEGNLRD[Ser784=]DTSISIPSVD

ClinVar aggregate classification (germline): Likely benign. Review status: criteria provided, multiple submitters, no conflicts (2 of 4 stars). 3 submissions from 3 submitters: Likely benign (3). Last evaluated 2024-10-14.

Conditions:
Early-infantile DEE. Also called: Ohtahara syndrome; Early infantile epileptic encephalopathy; Early infantile epileptic encephalopathy with suppression bursts. Identifiers: Orphanet 1934, MedGen C0393706, MONDO:0800491.

Allele frequency attached by ClinVar (database versions not stated): gnomAD 0.00001; gnomAD exomes 0.00001; TOPMed 0.00001; ExAC 0.00003.
gnomAD v4.1: 22 of 1,609,690 alleles (0.0014%); highest among the groups gnomAD compares: African/African-American, 0.0027%; no homozygotes.

Submissions (3):

Labcorp Genetics (formerly Invitae), Labcorp
Classification: Likely benign for Early-infantile DEE. Last evaluated: 2024-10-14. Review status: criteria provided, single submitter. Criteria: Invitae Variant Classification Sherloc (09022015). Collection method: clinical testing. Allele origin: germline.

CeGaT Center for Human Genetics Tuebingen
Classification: Likely benign. Last evaluated: 2024-10-01. Review status: criteria provided, single submitter. Criteria: CeGaT Center For Human Genetics Tuebingen Variant Classification Criteria Version 2. Collection method: clinical testing. Allele origin: germline. Affected: yes. Observed: 1 variant allele.
Comment: KCNQ2: BP4, BP7

Blueprint Genetics
Classification: Likely benign. Last evaluated: 2024-06-24. Review status: criteria provided, single submitter. Criteria: ACMG Guidelines, 2015. Collection method: clinical testing. Allele origin: germline.